The following is an entry in ClinVar:

ClinVar aggregate classification (germline): Uncertain significance (1 of 4 stars; one submission).

Conditions:
Glycogen storage disease type III (GSD3). Also called: Cori disease; FORBES DISEASE. Identifiers: Orphanet 366, MedGen C0017922, MONDO:0009291, OMIM 232400.

Allele frequency attached by ClinVar (database versions not stated): gnomAD exomes below 0.00001; ExAC 0.00001.

Submission:

Labcorp Genetics (formerly Invitae), Labcorp
Classification: Uncertain significance for Glycogen storage disease type III. Last evaluated: 2022-04-04. Review status: criteria provided, single submitter. Criteria: Invitae Variant Classification Sherloc (09022015). Collection method: clinical testing. Allele origin: germline.
Comment: This sequence change replaces isoleucine, which is neutral and non-polar, with valine, which is neutral and non-polar, at codon 437 of the AGL protein (p.Ile437Val). This variant is present in population databases (rs753899857, gnomAD 0.0009%). This variant has not been reported in the literature in individuals affected with AGL-related conditions. Algorithms developed to predict the effect of missense changes on protein structure and function (SIFT, PolyPhen-2, Align-GVGD) all suggest that this variant is likely to be tolerated. In summary, the available evidence is currently insufficient to determine the role of this variant in disease. Therefore, it has been classified as a Variant of Uncertain Significance.

NM_000642.3(AGL):c.1309A>G (p.Ile437Val)

Gene: AGL (amylo-alpha-1,6-glucosidase and 4-alpha-glucanotransferase; plus strand). Cytogenetic location: 1p21.2.
Variant type: single nucleotide variant.
Coding change: c.1309A>G on transcript NM_000642.3 (MANE Select); coding-DNA position 1309, A replaced by G.
Protein change: p.Ile437Val; replaces isoleucine 437 with valine.
Molecular consequence: missense variant.
Genome position (GRCh38, 1-based): chr1:99,876,483, A>G. VCF-style: chr1-99876483-A-G. GRCh37 (hg19) VCF-style: chr1-100342039-A-G.
Other names: c.1309A>G, p.Ile437Val (NM_000028.3, NM_001425326.1, NM_000643.3 and 2 more transcripts); c.1108A>G, p.Ile370Val (NM_001425327.1); c.1261A>G, p.Ile421Val (NM_000646.3); c.1105A>G, p.Ile369Val (NM_001425328.1, NM_001425329.1); c.931A>G, p.Ile311Val (NM_001425332.1); short protein forms I421V, I437V, I311V, I369V, I370V.
Identifiers: ClinVar variation 2091389 (VCV002091389.1), dbSNP rs753899857, ClinGen allele CA966460.